The following is an entry in ClinVar:

ClinVar aggregate classification (germline): Likely benign. Review status: criteria provided, single submitter (1 of 4 stars). 2 submissions from 2 submitters: Likely benign (1). 1 of the submissions does not count toward it. Last evaluated 2022-03-11.

Conditions:
CPLANE1-related disorder. Also called: CPLANE1-related condition.

Allele frequency attached by ClinVar (database versions not stated): gnomAD 0.00002; gnomAD exomes 0.00005; ExAC 0.00009; 1000 Genomes Project 0.00020; 1000 Genomes Project 30x 0.00031.
gnomAD v4.1: 78 of 1,613,632 alleles (0.0048%); highest among the groups gnomAD compares: South Asian, 0.082%; no homozygotes.

Submissions (2):

Labcorp Genetics (formerly Invitae), Labcorp
Classification: Likely benign. Last evaluated: 2022-03-11. Review status: criteria provided, single submitter. Criteria: Invitae Variant Classification Sherloc (09022015). Collection method: clinical testing. Allele origin: germline.

PreventionGenetics, part of Exact Sciences
Classification: Likely benign for CPLANE1-related condition. Last evaluated: 2020-11-19. Review status: no assertion criteria provided. Collection method: clinical testing. Allele origin: germline. Not counted in ClinVar's aggregate classification.
Comment: This variant is classified as likely benign based on ACMG/AMP sequence variant interpretation guidelines (Richards et al. 2015 PMID: 25741868, with internal and published modifications).

NM_001384732.1(CPLANE1):c.7290A>G (p.Gln2430=)

Gene: CPLANE1 (ciliogenesis and planar polarity effector complex subunit 1; minus strand). Cytogenetic location: 5p13.2.
Variant type: single nucleotide variant.
Coding change: c.7290A>G on transcript NM_001384732.1 (MANE Select); coding-DNA position 7290, A replaced by G.
Protein change: p.Gln2430=; no amino-acid change (glutamine 2430 retained).
Molecular consequence: synonymous variant.
Genome position (GRCh38, 1-based): chr5:37,167,157, T>C on the plus strand (A>G on the coding strand, the complement: CPLANE1 is on the minus strand). VCF-style: chr5-37167157-T-C. GRCh37 (hg19) VCF-style: chr5-37167259-T-C.
Other names: c.7290A>G, p.Gln2430= (NM_023073.4); c.7290A>G (NM_023073.3).
Identifiers: ClinVar variation 1965310 (VCV001965310.7), dbSNP rs571602250, ClinGen allele CA3238098.